The following is an entry in ClinVar:

ClinVar aggregate classification (germline): Benign/Likely benign. Review status: criteria provided, multiple submitters, no conflicts (2 of 4 stars). 8 submissions from 8 submitters: Benign (3); Likely benign (3). 2 of the submissions do not count toward it. Last evaluated 2026-01-31.

Conditions:
Adams-Oliver syndrome 2 (AOS2). Identifiers: Orphanet 974, MedGen C3280182, MONDO:0013635, OMIM 614219.

Allele frequency attached by ClinVar (database versions not stated): 1000 Genomes Project 0.00499; 1000 Genomes Project 30x 0.00531; TOPMed 0.00582; ESP Exome Variant Server 0.00696; gnomAD 0.00789 and 0.00801; ExAC 0.00834; gnomAD exomes 0.00846 and 0.01002.
gnomAD v4.1: 15,686 of 1,613,744 alleles (0.97%); highest among the groups gnomAD compares: Non-Finnish European, 1.1%; 101 homozygotes.

Submissions (8):

Labcorp Genetics (formerly Invitae), Labcorp
Classification: Benign. Last evaluated: 2026-01-31. Review status: criteria provided, single submitter. Criteria: Invitae Variant Classification Sherloc (09022015). Collection method: clinical testing. Allele origin: germline.

CeGaT Center for Human Genetics Tuebingen
Classification: Benign. Last evaluated: 2025-09-01. Review status: criteria provided, single submitter. Criteria: CeGaT Center For Human Genetics Tuebingen Variant Classification Criteria Version 2. Collection method: clinical testing. Allele origin: germline. Affected: yes. Observed: 16 variant alleles.
Comment: DOCK6: BS1, BS2

Fulgent Genetics
Classification: Likely benign for Adams-Oliver syndrome 2. Last evaluated: 2021-11-16. Review status: criteria provided, single submitter. Criteria: ACMG Guidelines, 2015. Collection method: clinical testing. Allele origin: unknown.

GeneDx
Classification: Benign. Last evaluated: 2019-07-19. Review status: criteria provided, single submitter. Criteria: GeneDx Variant Classification Process June 2021. Collection method: clinical testing. Allele origin: germline. Affected: yes.

Center for Pediatric Genomic Medicine, Children's Mercy Hospital and Clinics
Classification: Likely benign. Last evaluated: 2017-03-10. Review status: criteria provided, single submitter. Criteria: ACMG Guidelines, 2015. Collection method: clinical testing. Allele origin: germline.

Breakthrough Genomics
Classification: Likely benign. Review status: criteria provided, single submitter. Criteria: ACMG Guidelines, 2015. Collection method: not provided. Allele origin: germline. Inheritance: Autosomal recessive inheritance. Affected: yes.

Clinical Genetics, Academic Medical Center
Classification: Likely benign. Review status: no assertion criteria provided. Collection method: clinical testing. Allele origin: germline. Affected: yes. Study: VKGL Data-share Consensus. Not counted in ClinVar's aggregate classification.

Laboratory of Diagnostic Genome Analysis, Leiden University Medical Center (LUMC)
Classification: Likely benign. Review status: no assertion criteria provided. Collection method: clinical testing. Allele origin: germline. Affected: yes. Study: VKGL Data-share Consensus. Not counted in ClinVar's aggregate classification.

NM_020812.4(DOCK6):c.3913C>T (p.Arg1305Cys)

Genes: DOCK6 (dedicator of cytokinesis 6; minus strand), DOCK6-AS1 (DOCK6 antisense RNA 1; plus strand). Cytogenetic location: 19p13.2.
Variant type: single nucleotide variant.
Coding change: c.3913C>T on transcript NM_020812.4 (MANE Select); coding-DNA position 3913, C replaced by T.
Protein change: p.Arg1305Cys; replaces arginine 1305 with cysteine.
Molecular consequence: missense variant.
Genome position (GRCh38, 1-based): chr19:11,215,909, G>A on the plus strand (C>T on the coding strand, the complement: DOCK6 is on the minus strand). VCF-style: chr19-11215909-G-A. GRCh37 (hg19) VCF-style: chr19-11326585-G-A.
Other names: c.4018C>T, p.Arg1340Cys (NM_001367830.1); short protein forms R1305C, R1340C.
Identifiers: ClinVar variation 445548 (VCV000445548.45), dbSNP rs112911897, ClinGen allele CA9207062.